The following is an entry in ClinVar:

NM_002473.6(MYH9):c.3913G>A (p.Ala1305Thr)

Gene: MYH9 (myosin heavy chain 9; minus strand). Cytogenetic location: 22q12.3.
Variant type: single nucleotide variant.
Coding change: c.3913G>A on transcript NM_002473.6 (MANE Select); coding-DNA position 3913, G replaced by A.
Protein change: p.Ala1305Thr; replaces alanine 1305 with threonine.
Molecular consequence: missense variant.
Genome position (GRCh38, 1-based): chr22:36,293,788, C>T on the plus strand (G>A on the coding strand, the complement: MYH9 is on the minus strand). VCF-style: chr22-36293788-C-T. GRCh37 (hg19) VCF-style: chr22-36689834-C-T.
Other names: c.3913G>A (NM_002473.4); short protein forms A1305T.
Identifiers: ClinVar variation 2738622 (VCV002738622.6), dbSNP rs372780340, ClinGen allele CA10209522.

ClinVar aggregate classification (germline): Conflicting classifications of pathogenicity. Review status: criteria provided, conflicting classifications (1 of 4 stars). 4 submissions from 4 submitters: Uncertain significance (2); Likely benign (2). Last evaluated 2026-05-06.

Conditions:
Inborn genetic diseases. Identifiers: MedGen C0950123, MeSH D030342.
MYH9-related disorder. Identifiers: MedGen C1854520.

Allele frequency attached by ClinVar (database versions not stated): gnomAD 0.00001; gnomAD exomes 0.00001; ExAC 0.00002; TOPMed 0.00002.
gnomAD v4.1: 22 of 1,613,694 alleles (0.0014%); highest among the groups gnomAD compares: East Asian, 0.0045%; no homozygotes.

Submissions (4):

PreventionGenetics, part of Exact Sciences
Classification: Uncertain significance for MYH9-related condition. Last evaluated: 2026-05-06. Review status: criteria provided, single submitter. Criteria: ACMG Guidelines, 2015. Collection method: clinical testing. Allele origin: germline.
Comment: The MYH9 c.3913G>A variant is predicted to result in the amino acid substitution p.Ala1305Thr. To our knowledge, this variant has not been reported in the literature. This variant is reported in 0.0087% of alleles in individuals of Latino descent in gnomAD and has conflicting interpretations in ClinVar ranging from likely benign to uncertain (Variation ID: 2738622). Although we suspect that this variant may be benign, at this time, the clinical significance of this variant is uncertain due to the absence of conclusive functional and genetic evidence.

Ambry Genetics
Classification: Likely benign for Inborn genetic diseases. Last evaluated: 2025-10-23. Review status: criteria provided, single submitter. Criteria: Ambry Variant Classification Scheme 2023. Collection method: clinical testing. Allele origin: germline.

GeneDx
Classification: Uncertain significance. Last evaluated: 2025-06-06. Review status: criteria provided, single submitter. Criteria: GeneDx Variant Classification Process June 2021. Collection method: clinical testing. Allele origin: germline. Affected: yes.
Comment: In silico analysis suggests that this missense variant does not alter protein structure/function; Has not been previously published as pathogenic or benign to our knowledge

Labcorp Genetics (formerly Invitae), Labcorp
Classification: Likely benign. Last evaluated: 2025-04-28. Review status: criteria provided, single submitter. Criteria: Invitae Variant Classification Sherloc (09022015). Collection method: clinical testing. Allele origin: germline.